The following is an entry in ClinVar:

NM_004525.3(LRP2):c.512G>C (p.Arg171Thr)

Gene: LRP2 (LDL receptor related protein 2; minus strand). Cytogenetic location: 2q31.1.
Variant type: single nucleotide variant.
Coding change: c.512G>C on transcript NM_004525.3 (MANE Select); coding-DNA position 512, G replaced by C.
Protein change: p.Arg171Thr; replaces arginine 171 with threonine.
Molecular consequence: missense variant.
Genome position (GRCh38, 1-based): chr2:169,294,626, C>G on the plus strand (G>C on the coding strand, the complement: LRP2 is on the minus strand). VCF-style: chr2-169294626-C-G. GRCh37 (hg19) VCF-style: chr2-170151136-C-G.
Other names: short protein forms R171T.
Identifiers: ClinVar variation 1493086 (VCV001493086.6), dbSNP rs184319574, ClinGen allele CA1955851.

ClinVar aggregate classification (germline): Uncertain significance. Review status: criteria provided, multiple submitters, no conflicts (2 of 4 stars). 2 submissions from 2 submitters: Uncertain significance (2). Last evaluated 2024-01-25.

Conditions:
Donnai-Barrow syndrome. Also called: DBS/FOAR SYNDROME; FACIOOCULOACOUSTICORENAL SYNDROME. Identifiers: Orphanet 2143, MedGen C1857277, MONDO:0009104, OMIM 222448.

Allele frequency attached by ClinVar (database versions not stated): gnomAD 0.00007 and 0.00004; 1000 Genomes Project 0.00100; 1000 Genomes Project 30x 0.00109; gnomAD exomes 0.00001 and 0.00005; ExAC 0.00007.
gnomAD v4.1: 22 of 1,612,900 alleles (0.0014%); highest among the groups gnomAD compares: African/African-American, 0.024%; no homozygotes.

Submissions (2):

Fulgent Genetics
Classification: Uncertain significance for Donnai-Barrow syndrome. Last evaluated: 2024-01-25. Review status: criteria provided, single submitter. Criteria: ACMG Guidelines, 2015. Collection method: clinical testing. Allele origin: germline.

Labcorp Genetics (formerly Invitae), Labcorp
Classification: Uncertain significance. Last evaluated: 2024-01-02. Review status: criteria provided, single submitter. Criteria: Invitae Variant Classification Sherloc (09022015). Collection method: clinical testing. Allele origin: germline.
Comment: This sequence change replaces arginine, which is basic and polar, with threonine, which is neutral and polar, at codon 171 of the LRP2 protein (p.Arg171Thr). This variant is present in population databases (rs184319574, gnomAD 0.04%). This variant has not been reported in the literature in individuals affected with LRP2-related conditions. ClinVar contains an entry for this variant (Variation ID: 1493086). An algorithm developed to predict the effect of missense changes on protein structure and function (PolyPhen-2) suggests that this variant is likely to be disruptive. In summary, the available evidence is currently insufficient to determine the role of this variant in disease. Therefore, it has been classified as a Variant of Uncertain Significance.